The following is an entry in ClinVar:

ClinVar aggregate classification (germline): Uncertain significance (1 of 4 stars; one submission).

Conditions:
Ullrich congenital muscular dystrophy 2 (UCMD2). Identifiers: Orphanet 75840, MedGen C4225314, MONDO:0014654, OMIM 616470.
Bethlem myopathy 2 (BTHLM2). Identifiers: Orphanet 536516, Orphanet 610, MedGen C4225313, MONDO:0034022, OMIM 616471.

Submission:

Labcorp Genetics (formerly Invitae), Labcorp
Classification: Uncertain significance for Bethlem myopathy 2; Ullrich congenital muscular dystrophy 2. Last evaluated: 2023-07-07. Review status: criteria provided, single submitter. Criteria: Invitae Variant Classification Sherloc (09022015). Collection method: clinical testing. Allele origin: germline.
Comment: In summary, the available evidence is currently insufficient to determine the role of this variant in disease. Therefore, it has been classified as a Variant of Uncertain Significance. This sequence change replaces asparagine, which is neutral and polar, with histidine, which is basic and polar, at codon 1660 of the COL12A1 protein (p.Asn1660His). This variant is not present in population databases (gnomAD no frequency). This variant has not been reported in the literature in individuals affected with COL12A1-related conditions. Advanced modeling of protein sequence and biophysical properties (such as structural, functional, and spatial information, amino acid conservation, physicochemical variation, residue mobility, and thermodynamic stability) performed at Invitae indicates that this missense variant is not expected to disrupt COL12A1 protein function.

NM_004370.6(COL12A1):c.4978A>C (p.Asn1660His)

Gene: COL12A1 (collagen type XII alpha 1 chain; minus strand). Cytogenetic location: 6q13.
Variant type: single nucleotide variant.
Coding change: c.4978A>C on transcript NM_004370.6 (MANE Select); coding-DNA position 4978, A replaced by C.
Protein change: p.Asn1660His; replaces asparagine 1660 with histidine.
Molecular consequence: missense variant.
Genome position (GRCh38, 1-based): chr6:75,138,941, T>G on the plus strand (A>C on the coding strand, the complement: COL12A1 is on the minus strand). VCF-style: chr6-75138941-T-G. GRCh37 (hg19) VCF-style: chr6-75848657-T-G.
Other names: c.4978A>C, p.Asn1660His (NM_001424113.1, NM_001424114.1); c.4705A>C, p.Asn1569His (NM_001424115.1); c.1486A>C, p.Asn496His (NM_001424116.1, NM_080645.3); short protein forms N1569H, N1660H, N496H.
Identifiers: ClinVar variation 2937129 (VCV002937129.3), dbSNP rs2533320856, ClinGen allele CA364740020.
Genomic context (GRCh38, chr6:75,138,941, plus strand): 5'-AAGCTCCATGATCCCAAGTCCCTCTGAAACCCTCTGATGTTACTTCAGTAATCTTTAAGT[T>G]TGTTGGGGCTGGCACGGGTCCTATCATGAGAAAAGGCAAGCAGACTAAGTTTTTGAATGT-3'
Protein context (NP_004361.3, residues 1650-1670): ETTRPVPAPT[Asn1660His]LKITEVTSEG